The following is an entry in ClinVar:

NM_022167.4(XYLT2):c.671A>G (p.Gln224Arg)

Gene: XYLT2 (xylosyltransferase 2; plus strand). Cytogenetic location: 17q21.33.
Variant type: single nucleotide variant.
Coding change: c.671A>G on transcript NM_022167.4 (MANE Select); coding-DNA position 671, A replaced by G.
Protein change: p.Gln224Arg; replaces glutamine 224 with arginine.
Molecular consequence: missense variant.
Genome position (GRCh38, 1-based): chr17:50,354,450, A>G. VCF-style: chr17-50354450-A-G. GRCh37 (hg19) VCF-style: chr17-48431811-A-G.
Other names: short protein forms Q224R.
Identifiers: ClinVar variation 3624501 (VCV003624501.3).

ClinVar aggregate classification (germline): Uncertain significance. Review status: criteria provided, multiple submitters, no conflicts (2 of 4 stars). 2 submissions from 2 submitters: Uncertain significance (2). Last evaluated 2025-10-23.

Conditions:
Inborn genetic diseases. Identifiers: MedGen C0950123, MeSH D030342.

gnomAD v4.1: 5 of 1,611,782 alleles (0.00031%); highest among the groups gnomAD compares: Non-Finnish European, 0.00042%; no homozygotes.

Submissions (2):

Ambry Genetics
Classification: Uncertain significance for Inborn genetic diseases. Last evaluated: 2025-10-23. Review status: criteria provided, single submitter. Criteria: Ambry Variant Classification Scheme 2023. Collection method: clinical testing. Allele origin: germline.

Labcorp Genetics (formerly Invitae), Labcorp
Classification: Uncertain significance. Last evaluated: 2024-10-01. Review status: criteria provided, single submitter. Criteria: Invitae Variant Classification Sherloc (09022015). Collection method: clinical testing. Allele origin: germline.
Comment: This sequence change replaces glutamine, which is neutral and polar, with arginine, which is basic and polar, at codon 224 of the XYLT2 protein (p.Gln224Arg). This variant is present in population databases (no rsID available, gnomAD 0.002%). This variant has not been reported in the literature in individuals affected with XYLT2-related conditions. Invitae Evidence Modeling of protein sequence and biophysical properties (such as structural, functional, and spatial information, amino acid conservation, physicochemical variation, residue mobility, and thermodynamic stability) indicates that this missense variant is not expected to disrupt XYLT2 protein function with a negative predictive value of 80%. In summary, the available evidence is currently insufficient to determine the role of this variant in disease. Therefore, it has been classified as a Variant of Uncertain Significance.